The following is an entry in ClinVar:

NM_003660.4(PPFIA3):c.213G>T (p.Gln71His)

Genes: PPFIA3 (PTPRF interacting protein alpha 3; plus strand), LOC130064903 (ATAC-STARR-seq lymphoblastoid silent region 10914; plus strand). Cytogenetic location: 19q13.33.
Variant type: single nucleotide variant.
Coding change: c.213G>T on transcript NM_003660.4 (MANE Select); coding-DNA position 213, G replaced by T.
Protein change: p.Gln71His; replaces glutamine 71 with histidine.
Molecular consequence: missense variant. On other transcripts: non-coding transcript variant (1).
Genome position (GRCh38, 1-based): chr19:49,128,086, G>T. VCF-style: chr19-49128086-G-T. GRCh37 (hg19) VCF-style: chr19-49631343-G-T.
Other names: short protein forms Q71H.
Identifiers: ClinVar variation 3343356 (VCV003343356.1).

ClinVar aggregate classification (germline): Uncertain significance (1 of 4 stars; one submission).

Submission:

GeneDx
Classification: Uncertain significance. Last evaluated: 2023-05-08. Review status: criteria provided, single submitter. Criteria: GeneDx Variant Classification Process June 2021. Collection method: clinical testing. Allele origin: germline. Affected: yes.
Comment: Not observed at significant frequency in large population cohorts (gnomAD); In silico analysis supports that this missense variant has a deleterious effect on protein structure/function; Has not been previously published as pathogenic or benign to our knowledge; Variants in candidate genes are classified as variants of uncertain significance in accordance with ACMG guidelines (Richards et al., 2015)